The following is an entry in ClinVar:

NM_004453.4(ETFDH):c.1204A>G (p.Thr402Ala)

Gene: ETFDH (electron transfer flavoprotein dehydrogenase; plus strand). Cytogenetic location: 4q32.1.
Variant type: single nucleotide variant.
Coding change: c.1204A>G on transcript NM_004453.4 (MANE Select); coding-DNA position 1204, A replaced by G.
Protein change: p.Thr402Ala; replaces threonine 402 with alanine.
Molecular consequence: missense variant.
Genome position (GRCh38, 1-based): chr4:158,703,510, A>G. VCF-style: chr4-158703510-A-G. GRCh37 (hg19) VCF-style: chr4-159624662-A-G.
Other names: c.1063A>G, p.Thr355Ala (NM_001281737.2); c.1021A>G, p.Thr341Ala (NM_001281738.1); short protein forms T341A, T355A, T402A.
Identifiers: ClinVar variation 4075313 (VCV004075313.2).

ClinVar aggregate classification (germline): Conflicting classifications of pathogenicity. Review status: criteria provided, conflicting classifications (1 of 4 stars). 2 submissions from 2 submitters: Likely pathogenic (1); Uncertain significance (1). Last evaluated 2025-08-06.

Conditions:
Multiple acyl-CoA dehydrogenase deficiency (MADD). Also called: Glutaric aciduria, type 2; Glutaric acidemia type II; GA 2; ETHYLMALONIC-ADIPICACIDURIA; GA II; Glutaric Acidemia type 2. Identifiers: Orphanet 26791, MedGen C0268596, MONDO:0009282, OMIM 231680.

Submissions (2):

Centre for Inherited Metabolic Diseases, Karolinska University Hospital
Classification: Likely pathogenic for Multiple acyl-CoA dehydrogenase deficiency. Last evaluated: 2025-08-06. Review status: criteria provided, single submitter. Criteria: ACMG Guidelines, 2015. Collection method: clinical testing. Allele origin: unknown. Inheritance: Autosomal recessive inheritance. Affected: yes. Observed: 1 compound heterozygote.
Comment: The variant is rare in gnomAD - PM2. A similar variant, Thr402Ser has been published by Xu et al. 2019, PMID: 31306230 (ACMG - likely pathogenic) - PM5-supporting. PP1/PP4 combined points should be 5 (capped) for the phenotype specificity of MADD in this patient according to Biesecker et al. 2023 - PP1-supporting + PP4-strong.

Blueprint Genetics
Classification: Uncertain significance. Last evaluated: 2024-11-08. Review status: criteria provided, single submitter. Criteria: ACMG Guidelines, 2015. Collection method: clinical testing. Allele origin: germline.